The following is an entry in ClinVar:

NM_007289.4(MME):c.1010G>A (p.Ser337Asn)

Gene: MME (membrane metalloendopeptidase; plus strand). Cytogenetic location: 3q25.2.
Variant type: single nucleotide variant.
Coding change: c.1010G>A on transcript NM_007289.4 (MANE Select); coding-DNA position 1010, G replaced by A.
Protein change: p.Ser337Asn; replaces serine 337 with asparagine.
Molecular consequence: missense variant.
Genome position (GRCh38, 1-based): chr3:155,142,043, G>A. VCF-style: chr3-155142043-G-A. GRCh37 (hg19) VCF-style: chr3-154859832-G-A.
Other names: c.1010G>A, p.Ser337Asn (NM_000902.5, NM_001354642.2, NM_001354643.1 and 2 more transcripts); short protein forms S337N.
Identifiers: ClinVar variation 1448981 (VCV001448981.6), dbSNP rs2108312023, ClinGen allele CA355129834.
Genomic context (GRCh38, chr3:155,142,043, plus strand): 5'-TTTTCCAGCCATTCAGCTGGTTGAATTTCACAAATGAAATCATGTCAACTGTGAATATTA[G>A]TATTACAAATGAGGAAGATGTGGTTGTTTATGCTCCAGAATATTTAACCAAACTTAAGCC-3'
Protein context (NP_009220.2, residues 327-347): TNEIMSTVNI[Ser337Asn]ITNEEDVVVY

ClinVar aggregate classification (germline): Uncertain significance (1 of 4 stars; one submission).

Allele frequency attached by ClinVar (database versions not stated): gnomAD exomes below 0.00001.
gnomAD v4.1: 1 of 1,613,586 alleles (0.000062%); highest among the groups gnomAD compares: Non-Finnish European, 0.000085%; no homozygotes.

Submission:

Labcorp Genetics (formerly Invitae), Labcorp
Classification: Uncertain significance. Last evaluated: 2022-06-13. Review status: criteria provided, single submitter. Criteria: Invitae Variant Classification Sherloc (09022015). Collection method: clinical testing. Allele origin: germline.
Comment: This variant has not been reported in the literature in individuals affected with MME-related conditions. In summary, the available evidence is currently insufficient to determine the role of this variant in disease. Therefore, it has been classified as a Variant of Uncertain Significance. Algorithms developed to predict the effect of missense changes on protein structure and function output the following: SIFT: "Tolerated"; PolyPhen-2: "Benign"; Align-GVGD: "Class C0". The asparagine amino acid residue is found in multiple mammalian species, which suggests that this missense change does not adversely affect protein function. This variant is not present in population databases (gnomAD no frequency). This sequence change replaces serine, which is neutral and polar, with asparagine, which is neutral and polar, at codon 337 of the MME protein (p.Ser337Asn).